The following is an entry in ClinVar:

NM_001165963.4(SCN1A):c.1624C>T (p.Arg542Ter)

Gene: SCN1A (sodium voltage-gated channel alpha subunit 1; minus strand). Cytogenetic location: 2q24.3.
Variant type: single nucleotide variant.
Coding change: c.1624C>T on transcript NM_001165963.4 (MANE Select); coding-DNA position 1624, C replaced by T.
Protein change: p.Arg542Ter; replaces arginine 542 with a stop codon.
Molecular consequence: nonsense. On other transcripts: 5 prime UTR variant (1), non-coding transcript variant (1).
Genome position (GRCh38, 1-based): chr2:166,045,081, G>A on the plus strand (C>T on the coding strand, the complement: SCN1A is on the minus strand). VCF-style: chr2-166045081-G-A. GRCh37 (hg19) VCF-style: chr2-166901591-G-A.
Other names: p.R542*:CGA>TGA; NP_001159435.1:p.(Arg542Ter); c.1624C>T, p.Arg542Ter (NM_001165964.3, NM_001202435.3, NM_001353948.2 and 7 more transcripts); c.1621C>T, p.Arg541Ter (NM_001353954.2, NM_001353955.2, NM_001353960.2); c.-802C>T (NM_001353961.2); short protein forms R542*, R541*.
Identifiers: ClinVar variation 189848 (VCV000189848.22), dbSNP rs138877187, ClinGen allele CA303104.

ClinVar aggregate classification (germline): Pathogenic. Review status: criteria provided, multiple submitters, no conflicts (2 of 4 stars). 10 submissions from 9 submitters: Pathogenic (10). Last evaluated 2026-03-02.

Conditions:
Early-infantile DEE. Also called: Early infantile epileptic encephalopathy with suppression bursts; Early infantile epileptic encephalopathy; Ohtahara syndrome. Identifiers: Orphanet 1934, MedGen C0393706, MONDO:0800491.
SCN1A-related disorder. Also called: SCN1A-related conditions; SCN1A-related condition; SCN1A-related disorders.
Inborn genetic diseases. Identifiers: MedGen C0950123, MeSH D030342.
Generalized epilepsy with febrile seizures plus, type 2 (GEFSP2). Also called: GEFS+, TYPE 2. Identifiers: Orphanet 36387, MedGen C1858673, MONDO:0011461, OMIM 604403.
Severe myoclonic epilepsy in infancy (DRVT). Also called: Epileptic encephalopathy, early infantile, 6 (Dravet syndrome); Dravet syndrome; SEVERE MYOCLONIC EPILEPSY OF INFANCY; DEVELOPMENTAL AND EPILEPTIC ENCEPHALOPATHY 6A; Severe Myoclonic Epilepsy in Infancy (SMEI). Identifiers: Orphanet 33069, MedGen C0751122, MONDO:0100135, OMIM 607208.

Submissions (10):

Institute of Human Genetics, University of Leipzig Medical Center
Classification: Pathogenic for Severe myoclonic epilepsy in infancy. Last evaluated: 2026-03-02. Review status: criteria provided, single submitter. Criteria: ACMG Guidelines, 2015. Collection method: clinical testing. Allele origin: unknown. Inheritance: Autosomal dominant inheritance. Affected: yes.
Comment: Criteria applied: PVS1,PS2_VSTR,PS4,PM2_SUP

Labcorp Genetics (formerly Invitae), Labcorp
Classification: Pathogenic for Early-infantile DEE. Last evaluated: 2025-02-12. Review status: criteria provided, single submitter. Criteria: Invitae Variant Classification Sherloc (09022015). Collection method: clinical testing. Allele origin: germline.
Comment: This sequence change creates a premature translational stop signal (p.Arg542*) in the SCN1A gene. It is expected to result in an absent or disrupted protein product. Loss-of-function variants in SCN1A are known to be pathogenic (PMID: 17347258, 18930999). This variant is not present in population databases (gnomAD no frequency). This premature translational stop signal has been observed in individual(s) with early infantile epileptic encephalopathy or Dravet syndrome (PMID: 16541393, 17054684, 20522430). In at least one individual the variant was observed to be de novo. ClinVar contains an entry for this variant (Variation ID: 189848). For these reasons, this variant has been classified as Pathogenic.

GeneDx
Classification: Pathogenic. Last evaluated: 2024-09-14. Review status: criteria provided, single submitter. Criteria: GeneDx Variant Classification Process June 2021. Collection method: clinical testing. Allele origin: germline. Affected: yes.
Comment: Nonsense variant predicted to result in protein truncation or nonsense mediated decay in a gene for which loss of function is a known mechanism of disease; Not observed at significant frequency in large population cohorts (gnomAD); This variant is associated with the following publications: (PMID: 20522430, 30641252, 25459968, 25525159, 25754450, 32090326, 34163418, 31031587, 35074891, 35072530, 31440721, 35813073, 33057194, 35982159, 31864146, 17054684, 37006128, 16541393)

MGZ Medical Genetics Center
Classification: Pathogenic for Severe myoclonic epilepsy in infancy. Last evaluated: 2022-07-11. Review status: criteria provided, single submitter. Criteria: ACMG Guidelines, 2015. Collection method: clinical testing. Allele origin: germline. Affected: yes. Observed: 1 variant allele.
Comment: ACMG criteria applied: PVS1, PS4_MOD, PM2_SUP

Unidad de Genómica Garrahan, Hospital de Pediatría Garrahan
Classification: Pathogenic for Severe myoclonic epilepsy in infancy. Last evaluated: 2022-01-01. Review status: criteria provided, single submitter. Criteria: ACMG Guidelines, 2015. Collection method: clinical testing. Allele origin: de novo. Affected: yes. Observed: 1 variant allele.

Blueprint Genetics
Classification: Pathogenic for SCN1A-related disorders. Last evaluated: 2019-05-28. Review status: criteria provided, single submitter. Criteria: ACMG Guidelines, 2015. Collection method: clinical testing. Allele origin: germline. Affected: yes. Observed: 1 variant allele.

Ambry Genetics
Classification: Pathogenic for Inborn genetic diseases. Last evaluated: 2018-05-08. Review status: criteria provided, single submitter. Criteria: Ambry Variant Classification Scheme 2023. Collection method: clinical testing. Allele origin: germline.
Comment: The p.R542* pathogenic mutation (also known as c.1624C>T), located in coding exon 10 of the SCN1A gene, results from a C to T substitution at nucleotide position 1624. This changes the amino acid from an arginine to a stop codon within coding exon 10. This mutation has been detected as a de novo occurrence in an individual with Dravet syndrome and in an individual with severe myoclonic epilepsy of infancy (SMEI) (Mancardi MM et al. Epilepsia, 2006 Oct;47:1629-35; Xu X et al. Brain Dev., 2014 Sep;36:676-81). In addition, in one family, this mutation was inherited from an unaffected mother in two siblings with Dravet syndrome. In this family, the mother was shown to have germline mosaicism for the mutation (Depienne C et al. Hum. Mutat., 2006 Apr;27:389). This alteration is expected to result in loss of function by premature protein truncation or nonsense-mediated mRNA decay. As such, this alteration is interpreted as a disease-causing mutation.

Cytogénomique, Hospices Civils de Lyon
Classification: Pathogenic for Generalized epilepsy with febrile seizures plus, type 2. Last evaluated: 2018-04-16. Review status: criteria provided, single submitter. Criteria: ACMG Guidelines, 2015. Collection method: clinical testing. Allele origin: de novo. Inheritance: Autosomal dominant inheritance. Affected: yes.

Institute of Human Genetics, University of Leipzig Medical Center
Classification: Pathogenic for Generalized epilepsy with febrile seizures plus, type 2. Last evaluated: 2018-01-17. Review status: criteria provided, single submitter. Criteria: ACMG Guidelines, 2015. Collection method: clinical testing. Allele origin: germline. Affected: yes. Observed: 1 variant allele.

Center for Bioinformatics, Peking University
Classification: Pathogenic for Dravet syndrome. Last evaluated: 2014-12-20. Review status: criteria provided, single submitter. Criteria: Xu et al. (Hum Mutat. 2015). Collection method: research. Allele origin: de novo. Affected: yes. Observed: 1 variant allele. Study: University Clinical Cooperation “985 Project” PKU-2014-1-1.
Comment: Dravet syndrome (DS) probands were recruited from the outpatient and inpatient child neurology units of Peking University First Hospital from 2005 till present. The study was approved by the Ethics Committee of Peking University First Hospital and the Institutional Review Board at Peking University. Participants or their parents provided written informed consent before enrollment. We collected a total of 267 mutations from 255 families with probands diagnosed with DS in China. All probands fulfilled the clinical diagnostic criteria.

Literature cited by the submitters: PubMed 17347258 (cited by Labcorp Genetics (formerly Invitae), Labcorp); PubMed 18930999 (cited by Labcorp Genetics (formerly Invitae), Labcorp); PubMed 16541393 (cited by 3 submitters); PubMed 17054684 (cited by Labcorp Genetics (formerly Invitae), Labcorp and Ambry Genetics); PubMed 20522430 (cited by Labcorp Genetics (formerly Invitae), Labcorp and Ambry Genetics); DOI 10.1055/s-0044-1786365 (cited by Unidad de Genómica Garrahan, Hospital de Pediatría Garrahan); PubMed 20431604 (cited by Ambry Genetics); PubMed 24168886 (cited by Ambry Genetics).